The following is an entry in ClinVar:

NM_006269.2(RP1):c.3532G>T (p.Asp1178Tyr)

Gene: RP1 (RP1 axonemal microtubule associated; plus strand). Cytogenetic location: 8q12.1.
Variant type: single nucleotide variant.
Coding change: c.3532G>T on transcript NM_006269.2 (MANE Select); coding-DNA position 3532, G replaced by T.
Protein change: p.Asp1178Tyr; replaces aspartic acid 1178 with tyrosine.
Molecular consequence: missense variant.
Genome position (GRCh38, 1-based): chr8:54,627,414, G>T. VCF-style: chr8-54627414-G-T. GRCh37 (hg19) VCF-style: chr8-55539974-G-T.
Other names: short protein forms D1178Y.
Identifiers: ClinVar variation 197274 (VCV000197274.19), dbSNP rs147384119, ClinGen allele CA245312.

ClinVar aggregate classification (germline): Uncertain significance. Review status: criteria provided, multiple submitters, no conflicts (2 of 4 stars). 6 submissions from 6 submitters: Uncertain significance (6). Last evaluated 2026-04-15.

Conditions:
RP1-related disorder. Also called: RP1-related condition.
Inborn genetic diseases. Identifiers: MedGen C0950123, MeSH D030342.
Retinitis pigmentosa (RP). Identifiers: Orphanet 791, MedGen C0035334, MeSH D012174, MONDO:0019200, OMIM 268000. Inheritance: Autosomal dominant, autosomal recessive and X linked inheritance.

Allele frequency attached by ClinVar (database versions not stated): ExAC 0.00007; gnomAD exomes 0.00007 and 0.00021; TOPMed 0.00016; ESP Exome Variant Server 0.00054.
gnomAD v4.1: 312 of 1,614,012 alleles (0.019%); highest among the groups gnomAD compares: Non-Finnish European, 0.025%; no homozygotes.

Submissions (6):

PreventionGenetics, part of Exact Sciences
Classification: Uncertain significance for RP1-related condition. Last evaluated: 2026-04-15. Review status: criteria provided, single submitter. Criteria: ACMG Guidelines, 2015. Collection method: clinical testing. Allele origin: germline.
Comment: The RP1 c.3532G>T variant is predicted to result in the amino acid substitution p.Asp1178Tyr. This variant has been reported in an individual with Ebstein’s anomaly and left ventricular noncompaction along with a variant in a different gene (Samudrala et al. 2020. PubMedID: 31985165); however, the RP1 variant did not segregate with disease in the reported family. This variant is reported in 0.014% of alleles in individuals of European (Non-Finnish) descent in gnomAD. At this time, the clinical significance of this variant is uncertain due to the absence of conclusive functional and genetic evidence.

Labcorp Genetics (formerly Invitae), Labcorp
Classification: Uncertain significance. Last evaluated: 2025-06-22. Review status: criteria provided, single submitter. Criteria: Invitae Variant Classification Sherloc (09022015). Collection method: clinical testing. Allele origin: germline.
Comment: This sequence change replaces aspartic acid, which is acidic and polar, with tyrosine, which is neutral and polar, at codon 1178 of the RP1 protein (p.Asp1178Tyr). This variant is present in population databases (rs147384119, gnomAD 0.01%). This variant has not been reported in the literature in individuals affected with RP1-related conditions. ClinVar contains an entry for this variant (Variation ID: 197274). An algorithm developed to predict the effect of missense changes on protein structure and function (PolyPhen-2) suggests that this variant is likely to be disruptive. In summary, the available evidence is currently insufficient to determine the role of this variant in disease. Therefore, it has been classified as a Variant of Uncertain Significance.

Blueprint Genetics
Classification: Uncertain significance. Last evaluated: 2023-10-23. Review status: criteria provided, single submitter. Criteria: ACMG Guidelines, 2015. Collection method: clinical testing. Allele origin: germline.

Ambry Genetics
Classification: Uncertain significance for Inborn genetic diseases. Last evaluated: 2021-10-06. Review status: criteria provided, single submitter. Criteria: Ambry Variant Classification Scheme 2023. Collection method: clinical testing. Allele origin: germline.

Illumina Laboratory Services, Illumina
Classification: Uncertain significance for Retinitis pigmentosa. Last evaluated: 2018-01-13. Review status: criteria provided, single submitter. Criteria: ICSL Variant Classification Criteria 13 December 2019. Collection method: clinical testing. Allele origin: germline.

Eurofins Ntd Llc (ga)
Classification: Uncertain significance. Last evaluated: 2014-11-06. Review status: criteria provided, single submitter. Criteria: EGL Classification Definitions 2015. Collection method: clinical testing. Allele origin: germline. Observed: 1 variant allele, 1 heterozygote.